The following is an entry in ClinVar:

NM_001211.6(BUB1B):c.636A>C (p.Glu212Asp)

Gene: BUB1B (BUB1 mitotic checkpoint serine/threonine kinase B; plus strand). Cytogenetic location: 15q15.1.
Variant type: single nucleotide variant.
Coding change: c.636A>C on transcript NM_001211.6 (MANE Select); coding-DNA position 636, A replaced by C.
Protein change: p.Glu212Asp; replaces glutamic acid 212 with aspartic acid.
Molecular consequence: missense variant.
Genome position (GRCh38, 1-based): chr15:40,183,768, A>C. VCF-style: chr15-40183768-A-C. GRCh37 (hg19) VCF-style: chr15-40475969-A-C.
Other names: short protein forms E212D.
Identifiers: ClinVar variation 656482 (VCV000656482.10), dbSNP rs769213287, ClinGen allele CA391683283.

ClinVar aggregate classification (germline): Uncertain significance (1 of 4 stars; one submission).

Conditions:
Mosaic variegated aneuploidy syndrome 1 (MVA1). Also called: Warburton-Anyane-Yeboa syndrome. Identifiers: Orphanet 1052, MedGen C1850343, MONDO:0009759, OMIM 257300.

Submission:

Labcorp Genetics (formerly Invitae), Labcorp
Classification: Uncertain significance for Mosaic variegated aneuploidy syndrome 1. Last evaluated: 2018-07-11. Review status: criteria provided, single submitter. Criteria: Invitae Variant Classification Sherloc (09022015). Collection method: clinical testing. Allele origin: germline.
Comment: This sequence change replaces glutamic acid with aspartic acid at codon 212 of the BUB1B protein (p.Glu212Asp). The glutamic acid residue is weakly conserved and there is a small physicochemical difference between glutamic acid and aspartic acid. This variant is not present in population databases (ExAC no frequency). This variant has not been reported in the literature in individuals with BUB1B-related disease. Algorithms developed to predict the effect of missense changes on protein structure and function output the following: SIFT: "Tolerated"; PolyPhen-2: "Benign"; Align-GVGD: "Class C0". The aspartic acid amino acid residue is found in multiple mammalian species, suggesting that this missense change does not adversely affect protein function. These predictions have not been confirmed by published functional studies and their clinical significance is uncertain. In summary, the available evidence is currently insufficient to determine the role of this variant in disease. Therefore, it has been classified as a Variant of Uncertain Significance.